The following is an entry in ClinVar:

NM_014000.3(VCL):c.2389A>G (p.Met797Val)

Gene: VCL (vinculin; plus strand). Cytogenetic location: 10q22.2.
Variant type: single nucleotide variant.
Coding change: c.2389A>G on transcript NM_014000.3 (MANE Select); coding-DNA position 2389, A replaced by G.
Protein change: p.Met797Val; replaces methionine 797 with valine.
Molecular consequence: missense variant.
Genome position (GRCh38, 1-based): chr10:74,105,308, A>G. VCF-style: chr10-74105308-A-G. GRCh37 (hg19) VCF-style: chr10-75865066-A-G.
Other names: c.2389A>G, p.Met797Val (NM_003373.4); short protein forms M797V.
Identifiers: ClinVar variation 1790522 (VCV001790522.8), dbSNP rs774388320, ClinGen allele CA5563201.
Genomic context (GRCh38, chr10:74,105,308, plus strand): 5'-CCCAAGTTCCGTGAGGCTGTGAAAGCTGCCTCTGATGAATTGAGCAAAACCATCTCCCCG[A>G]TGGTGATGGATGCAAAAGCTGTGGCTGGAAACATTTCCGACCCTGGTAAGCAATGCATGG-3'
Protein context (NP_054706.1, residues 787-807): SDELSKTISP[Met797Val]VMDAKAVAGN

ClinVar aggregate classification (germline): Conflicting classifications of pathogenicity. Review status: criteria provided, conflicting classifications (1 of 4 stars). 4 submissions from 4 submitters: Uncertain significance (3); Likely benign (1). Last evaluated 2025-06-11.

Conditions:
Cardiovascular phenotype. Identifiers: MedGen CN230736.
VCL-related disorder. Also called: VCL-related condition.

Allele frequency attached by ClinVar (database versions not stated): ExAC 0.00002; gnomAD exomes 0.00005; gnomAD 0.00007; TOPMed 0.00010.
gnomAD v4.1: 86 of 1,612,774 alleles (0.0053%); highest among the groups gnomAD compares: Middle Eastern, 0.04%; no homozygotes.

Submissions (4):

Ambry Genetics
Classification: Uncertain significance for Cardiovascular phenotype. Last evaluated: 2025-06-11. Review status: criteria provided, single submitter. Criteria: Ambry Variant Classification Scheme 2023. Collection method: clinical testing. Allele origin: germline.

PreventionGenetics, part of Exact Sciences
Classification: Uncertain significance for VCL-related condition. Last evaluated: 2025-04-28. Review status: criteria provided, single submitter. Criteria: ACMG Guidelines, 2015. Collection method: clinical testing. Allele origin: germline.
Comment: The VCL c.2389A>G variant is predicted to result in the amino acid substitution p.Met797Val. To our knowledge, this variant has not been reported in the literature. This variant is reported in 0.025% of alleles in individuals of Latino descent in gnomAD. Although we suspect that this variant may be benign, at this time, the clinical significance of this variant is uncertain due to the absence of conclusive functional and genetic evidence.

Women's Health and Genetics/Laboratory Corporation of America, LabCorp
Classification: Likely benign. Last evaluated: 2025-04-18. Review status: criteria provided, single submitter. Criteria: LabCorp Variant Classification Summary - May 2015. Collection method: clinical testing. Allele origin: germline.
Comment: Variant summary: VCL c.2389A>G (p.Met797Val) results in a conservative amino acid change in the encoded protein sequence. Three of five in-silico tools predict a damaging effect of the variant on protein function. The variant allele was found at a frequency of 7.2e-05 in 251296 control chromosomes. The observed variant frequency is approximately 1.53 fold of the estimated maximal expected allele frequency for a pathogenic variant in VCL causing Dilated Cardiomyopathy phenotype (4.7e-05). To our knowledge, no occurrence of c.2389A>G in individuals affected with VCL related conditions and no experimental evidence demonstrating its impact on protein function have been reported. ClinVar contains an entry for this variant (Variation ID: 1790522). Based on the evidence outlined above, the variant was classified as likely benign.

GeneDx
Classification: Uncertain significance. Last evaluated: 2022-11-22. Review status: criteria provided, single submitter. Criteria: GeneDx Variant Classification Process June 2021. Collection method: clinical testing. Allele origin: germline. Affected: yes.
Comment: Has not been previously published as pathogenic or benign to our knowledge; In silico analysis supports that this missense variant has a deleterious effect on protein structure/function

Literature cited by the submitters: PubMed 25299611 (cited by Women's Health and Genetics/Laboratory Corporation of America, LabCorp); PubMed 23856246 (cited by Women's Health and Genetics/Laboratory Corporation of America, LabCorp).